The following is an entry in ClinVar:

NM_000455.5(STK11):c.1061T>C (p.Phe354Ser)

Genes: STK11 (serine/threonine kinase 11; plus strand), LOC130062899 (ATAC-STARR-seq lymphoblastoid active region 13597; plus strand). Cytogenetic location: 19p13.3.
Variant type: single nucleotide variant.
Coding change: c.1061T>C on transcript NM_000455.5 (MANE Select); coding-DNA position 1061, T replaced by C.
Protein change: p.Phe354Ser; replaces phenylalanine 354 with serine.
Molecular consequence: missense variant.
Genome position (GRCh38, 1-based): chr19:1,223,125, T>C. VCF-style: chr19-1223125-T-C. GRCh37 (hg19) VCF-style: chr19-1223124-T-C.
Other names: short protein forms F354S.
Identifiers: ClinVar variation 1046679 (VCV001046679.10), dbSNP rs2080797498, ClinGen allele CA402951850.

ClinVar aggregate classification (germline): Uncertain significance (1 of 4 stars; one submission).

Conditions:
Peutz-Jeghers syndrome (PJS). Also called: POLYPOSIS, HAMARTOMATOUS INTESTINAL; POLYPS-AND-SPOTS SYNDROME; Peutz-Jeghers polyposis; Periorificial lentiginosis syndrome. Identifiers: Orphanet 2869, MedGen C0031269, MeSH D010580, MONDO:0008280, OMIM 175200.

Submission:

Labcorp Genetics (formerly Invitae), Labcorp
Classification: Uncertain significance for Peutz-Jeghers syndrome. Last evaluated: 2020-04-05. Review status: criteria provided, single submitter. Criteria: Invitae Variant Classification Sherloc (09022015). Collection method: clinical testing. Allele origin: germline.
Comment: Algorithms developed to predict the effect of missense changes on protein structure and function (SIFT, PolyPhen-2, Align-GVGD) all suggest that this variant is likely to be tolerated, but these predictions have not been confirmed by published functional studies and their clinical significance is uncertain. This sequence change replaces phenylalanine with serine at codon 354 of the STK11 protein (p.Phe354Ser). The phenylalanine residue is moderately conserved and there is a large physicochemical difference between phenylalanine and serine. This variant is not present in population databases (ExAC no frequency). This variant has not been reported in the literature in individuals with STK11-related conditions. In summary, the available evidence is currently insufficient to determine the role of this variant in disease. Therefore, it has been classified as a Variant of Uncertain Significance.